The following is an entry in ClinVar:

NM_020738.4(KIDINS220):c.5032C>T (p.Arg1678Ter)

Gene: KIDINS220 (kinase D interacting substrate 220; minus strand). Cytogenetic location: 2p25.1.
Variant type: single nucleotide variant.
Coding change: c.5032C>T on transcript NM_020738.4 (MANE Select); coding-DNA position 5032, C replaced by T.
Protein change: p.Arg1678Ter; replaces arginine 1678 with a stop codon.
Molecular consequence: nonsense. On other transcripts: intron variant (6).
Genome position (GRCh38, 1-based): chr2:8,731,004, G>A on the plus strand (C>T on the coding strand, the complement: KIDINS220 is on the minus strand). VCF-style: chr2-8731004-G-A. GRCh37 (hg19) VCF-style: chr2-8871134-G-A.
Other names: c.5035C>T, p.Arg1679Ter (NM_001348729.2); c.4978C>T, p.Arg1660Ter (NM_001348731.2); c.4975C>T, p.Arg1659Ter (NM_001348732.2); c.4864C>T, p.Arg1622Ter (NM_001348734.2); c.4861C>T, p.Arg1621Ter (NM_001348735.2); c.4735C>T, p.Arg1579Ter (NM_001348736.2); c.3882+2440C>T (NM_001348741.2, NM_001348742.2, NM_001348743.2); c.3996+2440C>T (NM_001348738.2); and 1 more; short protein forms R1579*, R1621*, R1622*, R1659*, R1660*, R1678*, R1679*.
Identifiers: ClinVar variation 3376561 (VCV003376561.2).

ClinVar aggregate classification (germline): Uncertain significance. Review status: criteria provided, multiple submitters, no conflicts (2 of 4 stars). 2 submissions from 2 submitters: Uncertain significance (2). Last evaluated 2024-02-02.

Conditions:
Spastic paraplegia, intellectual disability, nystagmus, and obesity. Also called: Spastic paraplegia, intellectual disability, nystagmus, and obesity;. Identifiers: Orphanet 521390, MedGen C4284592, MONDO:0015007, OMIM 617296.

gnomAD v4.1: 1 of 1,614,144 alleles (0.000062%); highest among the groups gnomAD compares: African/African-American, 0.0013%; no homozygotes.

Submissions (2):

Blueprint Genetics
Classification: Uncertain significance. Last evaluated: 2024-02-02. Review status: criteria provided, single submitter. Criteria: ACMG Guidelines, 2015. Collection method: clinical testing. Allele origin: germline.

Victorian Clinical Genetics Services, Murdoch Childrens Research Institute
Classification: Uncertain significance for Spastic paraplegia, intellectual disability, nystagmus, and obesity. Last evaluated: 2020-10-19. Review status: criteria provided, single submitter. Criteria: ACMG Guidelines, 2015. Collection method: clinical testing. Allele origin: germline. Inheritance: Autosomal dominant inheritance. Affected: yes.
Comment: Based on the classification scheme VCGS_Germline_v0.6.1, this variant is classified as 3C-VUS. Following criteria are met: 0105 - Mechanism of disease for this gene is unknown. 0108 - This gene is known to be associated with both recessive and dominant disease. Autosomal recessive inheritance has been reported in one family (PMID: 28934391). 0205 - Variant is predicted to result in a truncated protein with less than 1/3 of the protein affected (exon 30 of 30). 0301 - Variant is absent from gnomAD. 0507 - Identified variant type is not compatible with in silico predictions of pathogenicity. 0705 - No comparable variants in relevant codon/region have previous evidence for pathogenicity. 0807 - Variant has not previously been reported in a clinical context. 0905 - No published segregation evidence has been identified for this variant. 1007 - No published functional evidence has been identified for this variant.

Literature cited by the submitters: PubMed 28934391 (cited by Victorian Clinical Genetics Services, Murdoch Childrens Research Institute).